The following is an entry in ClinVar:

ClinVar aggregate classification (germline): Uncertain significance. Review status: criteria provided, multiple submitters, no conflicts (2 of 4 stars). 2 submissions from 2 submitters: Uncertain significance (2). Last evaluated 2025-08-14.

Conditions:
Inborn genetic diseases. Identifiers: MedGen C0950123, MeSH D030342.

Allele frequency attached by ClinVar (database versions not stated): gnomAD 0.00001; TOPMed 0.00002; ExAC 0.00004; gnomAD exomes 0.00004.
gnomAD v4.1: 11 of 1,613,984 alleles (0.00068%); highest among the groups gnomAD compares: Admixed American, 0.018%; no homozygotes.

Submissions (2):

Ambry Genetics
Classification: Uncertain significance for Inborn genetic diseases. Last evaluated: 2025-08-14. Review status: criteria provided, single submitter. Criteria: Ambry Variant Classification Scheme 2023. Collection method: clinical testing. Allele origin: germline.

GeneDx
Classification: Uncertain significance. Last evaluated: 2017-06-12. Review status: criteria provided, single submitter. Criteria: GeneDx Variant Classification (06012015). Collection method: clinical testing. Allele origin: germline. Affected: yes.
Comment: The M737L variant in the CDAN1 gene has not been reported previously as a pathogenic variant, nor as a benign variant, to our knowledge. The M737L variant is observed in 5/11578 (0.043%) alleles from individuals of Latino background, in large population cohorts (Lek et al., 2016; 1000 Genomes Consortium et al., 2015; Exome Variant Server). The M737L variant is a conservative amino acid substitution, which is not likely to impact secondary protein structure as these residues share similar properties. This substitution occurs at a position that is conserved in mammals. In silico analysis is inconsistent in its predictions as to whether or not the variant is damaging to the protein structure/function. We interpret M737L as a variant of uncertain significance.

NM_138477.4(CDAN1):c.2209A>C (p.Met737Leu)

Gene: CDAN1 (codanin 1; minus strand). Cytogenetic location: 15q15.2.
Variant type: single nucleotide variant.
Coding change: c.2209A>C on transcript NM_138477.4 (MANE Select); coding-DNA position 2209, A replaced by C.
Protein change: p.Met737Leu; replaces methionine 737 with leucine.
Molecular consequence: missense variant.
Genome position (GRCh38, 1-based): chr15:42,730,181, T>G on the plus strand (A>C on the coding strand, the complement: CDAN1 is on the minus strand). VCF-style: chr15-42730181-T-G. GRCh37 (hg19) VCF-style: chr15-43022379-T-G.
Other names: c.2209A>C, p.Met737Leu (LRG_1164t1); short protein forms M737L.
Identifiers: ClinVar variation 432603 (VCV000432603.3), dbSNP rs780336319, ClinGen allele CA7515762.